The following is an entry in ClinVar:

NC_000023.10:g.(?_31332523)_(31627738_?)del

Gene: DMD (dystrophin; minus strand). Cytogenetic location: Xp21.2-21.1.
Variant type: Deletion.
Identifiers: ClinVar variation 3248440 (VCV003248440.1).

ClinVar aggregate classification (germline): Pathogenic (1 of 4 stars; one submission).

Conditions:
Duchenne muscular dystrophy (DMD). Also called: MUSCULAR DYSTROPHY, PSEUDOHYPERTROPHIC PROGRESSIVE, DUCHENNE TYPE; Duchenne Muscular Dystrophy (DMD). Identifiers: Orphanet 98896, MedGen C0013264, MONDO:0010679, OMIM 310200.

Submission:

Labcorp Genetics (formerly Invitae), Labcorp
Classification: Pathogenic for Duchenne muscular dystrophy. Last evaluated: 2023-05-24. Review status: criteria provided, single submitter. Criteria: Invitae Variant Classification Sherloc (09022015). Collection method: clinical testing. Allele origin: unknown.
Comment: For these reasons, this variant has been classified as Pathogenic. A similar copy number variant has been observed in individual(s) with Duchenne muscular dystrophy (PMID: 19602481). This variant is a gross deletion of the genomic region encompassing exon(s) 56-62 of the DMD gene. This deletion is out-of-frame, and is expected to create a premature termination codon and result in an absent or disrupted protein product. Loss-of-function variants in DMD are known to be pathogenic (PMID: 16770791, 25007885).

Literature cited by the submitters: PubMed 19602481; PubMed 16770791; PubMed 25007885.